The following is an entry in ClinVar:

ClinVar aggregate classification (germline): Benign. Review status: criteria provided, multiple submitters, no conflicts (2 of 4 stars). 4 submissions from 4 submitters: Benign (4). Last evaluated 2026-01-26.

Conditions:
Pitt-Hopkins-like syndrome 2 (PTHSL2). Identifiers: Orphanet 221150, Orphanet 600663, MedGen C3280479, MONDO:0013690, OMIM 614325.

Allele frequency attached by ClinVar (database versions not stated): TOPMed 0.14610; gnomAD 0.14719 and 0.15245; 1000 Genomes Project 30x 0.16146; 1000 Genomes Project 0.16873.
gnomAD v4.1: 174,050 of 1,054,496 alleles (17%); highest among the groups gnomAD compares: South Asian, 31%; 15,741 homozygotes.

Submissions (4):

Labcorp Genetics (formerly Invitae), Labcorp
Classification: Benign for Pitt-Hopkins-like syndrome 2. Last evaluated: 2026-01-26. Review status: criteria provided, single submitter. Criteria: Invitae Variant Classification Sherloc (09022015). Collection method: clinical testing. Allele origin: germline.

GeneDx
Classification: Benign. Last evaluated: 2018-06-18. Review status: criteria provided, single submitter. Criteria: GeneDx Variant Classification Process June 2021. Collection method: clinical testing. Allele origin: germline. Affected: yes.
Comment: This variant is associated with the following publications: (PMID: 21687627)

Illumina Laboratory Services, Illumina
Classification: Benign for Pitt-Hopkins-like syndrome 2. Last evaluated: 2018-03-06. Review status: criteria provided, single submitter. Criteria: ICSL Variant Classification Criteria 13 December 2019. Collection method: clinical testing. Allele origin: germline.
Comment: This variant was observed in the ICSL laboratory as part of a predisposition screen in an ostensibly healthy population. It had not been previously curated by ICSL or reported in the Human Gene Mutation Database (HGMD: prior to June 1st, 2018), and was therefore a candidate for classification through an automated scoring system. Utilizing variant allele frequency, disease prevalence and penetrance estimates, and inheritance mode, an automated score was calculated to assess if this variant is too frequent to cause the disease. Based on the score and internal cut-off values, a variant classified as benign is not then subjected to further curation. The score for this variant resulted in a classification of benign for this disease.

Breakthrough Genomics
Classification: Benign. Review status: criteria provided, single submitter. Criteria: ACMG Guidelines, 2015. Collection method: not provided. Allele origin: germline. Inheritance: Autosomal recessive inheritance. Affected: yes.

NM_001330078.2(NRXN1):c.*110G>A

Gene: NRXN1 (neurexin 1; minus strand). Cytogenetic location: 2p16.3.
Variant type: single nucleotide variant.
Coding change: c.*110G>A on transcript NM_001330078.2 (MANE Select); 110 bases downstream of the stop codon, G replaced by A.
Molecular consequence: 3 prime UTR variant.
Genome position (GRCh38, 1-based): chr2:49,921,834, C>T on the plus strand (G>A on the coding strand, the complement: NRXN1 is on the minus strand). VCF-style: chr2-49921834-C-T. GRCh37 (hg19) VCF-style: chr2-50148972-C-T.
Other names: c.*110G>A (NM_001135659.3, NM_001320156.4, NM_001320157.4 and 17 more transcripts).
Identifiers: ClinVar variation 336539 (VCV000336539.17), dbSNP rs1045881, ClinGen allele CA10615546.